The following is an entry in ClinVar:

ClinVar aggregate classification (germline): Benign (1 of 4 stars; one submission).

Conditions:
Melanoma-pancreatic cancer syndrome. Identifiers: Orphanet 404560, MedGen C1838547, MONDO:0011713, OMIM 606719. Disease mechanism: loss of function.

Submission:

Myriad Genetics, Inc.
Classification: Benign for Melanoma-pancreatic cancer syndrome. Last evaluated: 2025-08-20. Review status: criteria provided, single submitter. Criteria: Myriad Autosomal Dominant, Autosomal Recessive and X-Linked Classification Criteria (2023). Collection method: clinical testing. Allele origin: unknown.
Comment: This variant is considered benign. This variant occurs in the non-coding 3' untranslated region of the gene, and is not expected to impact protein function.

NM_000077.5(CDKN2A):c.*1A>T

Gene: CDKN2A (cyclin dependent kinase inhibitor 2A; minus strand). Cytogenetic location: 9p21.3.
Variant type: single nucleotide variant.
Coding change: c.*1A>T on transcript NM_000077.5; 1 bases downstream of the stop codon, A replaced by T.
Molecular consequence: 3 prime UTR variant (on NM_001195132.2).
Genome position (GRCh38, 1-based): chr9:21,968,228, T>A on the plus strand (A>T on the coding strand, the complement: CDKN2A is on the minus strand). VCF-style: chr9-21968228-T-A. GRCh37 (hg19) VCF-style: chr9-21968227-T-A.
Other names: c.*1A>T (NM_000077.6, NM_001363763.2); c.*165A>T (NM_001195132.2); c.*116A>T (NM_058195.4); c.*395A>T (NM_058197.5).
Identifiers: ClinVar variation 4294218 (VCV004294218.1).